The following is an entry in ClinVar:

ClinVar aggregate classification (germline): Uncertain significance (1 of 4 stars; one submission).

Conditions:
Emery-Dreifuss muscular dystrophy 4, autosomal dominant (EDMD4). Also called: EMERY-DREIFUSS MUSCULAR DYSTROPHY 4 WITH VARIABLE FEATURES. Identifiers: Orphanet 261, MedGen C2751807, MONDO:0013071, OMIM 612998.
Autosomal recessive ataxia, Beauce type. Also called: Spinocerebellar ataxia, autosomal recessive 8; ATAXIA, RECESSIVE, OF BEAUCE; SYNE1 Deficiency; SYNE1-Related Autosomal Recessive Cerebellar Ataxia. Identifiers: Orphanet 88644, MedGen C1853116, MONDO:0012549, OMIM 610743.

Allele frequency attached by ClinVar (database versions not stated): ExAC 0.00001; gnomAD exomes 0.00001; gnomAD 0.00002; TOPMed 0.00002; ESP Exome Variant Server 0.00015.
gnomAD v4.1: 13 of 1,613,874 alleles (0.00081%); highest among the groups gnomAD compares: African/African-American, 0.015%; no homozygotes.

Submission:

Labcorp Genetics (formerly Invitae), Labcorp
Classification: Uncertain significance for Emery-Dreifuss muscular dystrophy 4, autosomal dominant; Autosomal recessive ataxia, Beauce type. Last evaluated: 2022-06-20. Review status: criteria provided, single submitter. Criteria: Invitae Variant Classification Sherloc (09022015). Collection method: clinical testing. Allele origin: germline.
Comment: This sequence change falls in intron 21 of the SYNE1 gene. It does not directly change the encoded amino acid sequence of the SYNE1 protein. It affects a nucleotide within the consensus splice site. This variant is present in population databases (rs368012666, gnomAD 0.007%). This variant has not been reported in the literature in individuals affected with SYNE1-related conditions. ClinVar contains an entry for this variant (Variation ID: 1041127). Variants that disrupt the consensus splice site are a relatively common cause of aberrant splicing (PMID: 17576681, 9536098). Algorithms developed to predict the effect of sequence changes on RNA splicing suggest that this variant is not likely to affect RNA splicing. In summary, the available evidence is currently insufficient to determine the role of this variant in disease. Therefore, it has been classified as a Variant of Uncertain Significance.

Literature cited by the submitters: PubMed 17576681; PubMed 9536098.

NM_182961.4(SYNE1):c.2394+3G>A

Gene: SYNE1 (spectrin repeat containing nuclear envelope protein 1; minus strand). Cytogenetic location: 6q25.2.
Variant type: single nucleotide variant.
Coding change: c.2394+3G>A on transcript NM_182961.4 (MANE Select); 3 bases into the intron after coding-DNA position 2394, G replaced by A.
Molecular consequence: intron variant.
Genome position (GRCh38, 1-based): chr6:152,461,594, C>T on the plus strand (G>A on the coding strand, the complement: SYNE1 is on the minus strand). VCF-style: chr6-152461594-C-T. GRCh37 (hg19) VCF-style: chr6-152782729-C-T.
Other names: c.2415+3G>A (NM_033071.5).
Identifiers: ClinVar variation 1041127 (VCV001041127.6), dbSNP rs368012666, ClinGen allele CA4059156.